The following is an entry in ClinVar:

ClinVar aggregate classification (germline): Likely pathogenic (1 of 4 stars; one submission).

Conditions:
Achondrogenesis, type IB (ACG1B). Also called: Achondrogenesis Type 1B. Identifiers: Orphanet 932, Orphanet 93298, MedGen C0265274, MONDO:0010966, OMIM 600972.

Submission:

Natera, Inc.
Classification: Likely pathogenic for Achondrogenesis type IB. Last evaluated: 2025-03-06. Review status: criteria provided, single submitter. Criteria: Natera Variant Classification Schema (03/2026). Collection method: clinical testing. Allele origin: germline.
Comment: The c.338_339insATGAT variant in SLC26A2 is a frameshift variant predicted to shift the reading frame beginning at codon 113 and leads to a stop codon 2 codons downstream. This variant is expected to result in nonsense mediated decay, truncation, or a dysfunctional protein product. This variant is rare in the general population with a frequency below the threshold expected for the associated phenotype(s). Given the available evidence, this variant is classified as Likely Pathogenic.

NM_000112.4(SLC26A2):c.338_339insATGAT (p.Met113delinsIleTer)

Gene: SLC26A2 (solute carrier family 26 member 2; plus strand). Cytogenetic location: 5q32.
Variant type: Insertion.
Coding change: c.338_339insATGAT on transcript NM_000112.4 (MANE Select); coding-DNA positions 338 to 339, ATGAT inserted.
Protein change: p.Met113delinsIleTer.
Molecular consequence: nonsense.
Genome position: GRCh38 VCF-style: chr5-149977986-G-GTGATA. GRCh37 (hg19) VCF-style: chr5-149357549-G-GTGATA.
Identifiers: ClinVar variation 4817464 (VCV004817464.1).